The following is an entry in ClinVar:

ClinVar aggregate classification (germline): Uncertain significance (1 of 4 stars; one submission).

Submission:

GeneDx
Classification: Uncertain significance. Last evaluated: 2024-03-04. Review status: criteria provided, single submitter. Criteria: GeneDx Variant Classification Process June 2021. Collection method: clinical testing. Allele origin: germline. Affected: yes.
Comment: Not observed at significant frequency in large population cohorts (gnomAD); In silico analysis supports that this missense variant has a deleterious effect on protein structure/function; Has not been previously published as pathogenic or benign to our knowledge

NM_001356.5(DDX3X):c.800C>A (p.Pro267Gln)

Gene: DDX3X (DEAD-box helicase 3 X-linked; plus strand). Cytogenetic location: Xp11.4.
Variant type: single nucleotide variant.
Coding change: c.800C>A on transcript NM_001356.5 (MANE Select); coding-DNA position 800, C replaced by A.
Protein change: p.Pro267Gln; replaces proline 267 with glutamine.
Molecular consequence: missense variant. On other transcripts: non-coding transcript variant (1).
Genome position (GRCh38, 1-based): chrX:41,344,064, C>A. VCF-style: chrX-41344064-C-A. GRCh37 (hg19) VCF-style: chrX-41203317-C-A.
Other names: c.800C>A, p.Pro267Gln (NM_001193416.3); c.752C>A, p.Pro251Gln (NM_001193417.3); c.242C>A, p.Pro81Gln (NM_001363819.1); short protein forms P251Q, P267Q, P81Q.
Identifiers: ClinVar variation 3373564 (VCV003373564.1).